The following is an entry in ClinVar:

ClinVar aggregate classification (germline): Likely pathogenic (1 of 4 stars; one submission).

Conditions:
Medium-chain acyl-coenzyme A dehydrogenase deficiency (ACADMD). Also called: ACADM DEFICIENCY; CARNITINE DEFICIENCY SECONDARY TO MEDIUM-CHAIN ACYL-CoA DEHYDROGENASE DEFICIENCY; Medium chain acyl-CoA dehydrogenase deficiency; MCADH DEFICIENCY; MCADD; MCAD Deficiency. Identifiers: Orphanet 42, MedGen C0220710, MONDO:0008721, OMIM 201450.

Submission:

Natera, Inc.
Classification: Likely pathogenic for Medium Chain Acyl-CoA Dehydrogenase Deficiency. Last evaluated: 2024-07-05. Review status: criteria provided, single submitter. Criteria: Natera Variant Classification Schema (03/2026). Collection method: clinical testing. Allele origin: germline.
Comment: The c.943del variant in ACADM is a frameshift variant predicted to shift the reading frame beginning at codon 315 and leads to a stop codon 14 codons downstream. This variant is expected to result in nonsense mediated decay, truncation, or a dysfunctional protein product. This variant is rare in the general population with a frequency below the threshold expected for the associated phenotype(s). Given the available evidence, this variant is classified as Likely Pathogenic.

NM_000016.6(ACADM):c.943del (p.Glu315fs)

Gene: ACADM (acyl-CoA dehydrogenase medium chain; plus strand). Cytogenetic location: 1p31.1.
Variant type: Deletion.
Coding change: c.943del on transcript NM_000016.6 (MANE Select); coding-DNA position 943, one base deleted (G; older notation c.943delG).
Protein change: p.Glu315fs; shifts the reading frame from glutamic acid 315.
Molecular consequence: frameshift variant.
Genome position (GRCh38, 1-based): chr1:75,750,544, G deleted. VCF-style (leftmost placement, unchanged base first): chr1-75750543-AG-A. GRCh37 (hg19) VCF-style: chr1-76216228-AG-A.
Other names: c.943delG, p.Glu315Serfs (NM_000016.5); c.955del, p.Glu319fs (NM_001127328.3); c.835del, p.Glu279fs (NM_001286042.2); c.1042del, p.Glu348fs (NM_001286043.2); c.376del, p.Glu126fs (NM_001286044.2); short protein forms E126fs, E279fs, E315fs, E319fs, E348fs.
Identifiers: ClinVar variation 4816883 (VCV004816883.1).
Genomic context (GRCh38, chr1:75,750,543, plus strand): 5'-AGCTTTGGATGAAGCTACCAAGTATGCCCTGGAAAGGAAAACTTTCGGAAAGCTACTTGT[AG>A]AGGTAATTTTAATACTGCTTGCTTTGTTCAAATGTAAAGACACTCATTTTCATTTAATAT-3'